The following is an entry in ClinVar:

NM_004656.4(BAP1):c.586T>A (p.Trp196Arg)

Gene: BAP1 (BRCA1 associated deubiquitinase 1; minus strand). Cytogenetic location: 3p21.1.
Variant type: single nucleotide variant.
Coding change: c.586T>A on transcript NM_004656.4 (MANE Select); coding-DNA position 586, T replaced by A.
Protein change: p.Trp196Arg; replaces tryptophan 196 with arginine.
Molecular consequence: missense variant.
Genome position (GRCh38, 1-based): chr3:52,406,902, A>T on the plus strand (T>A on the coding strand, the complement: BAP1 is on the minus strand). VCF-style: chr3-52406902-A-T. GRCh37 (hg19) VCF-style: chr3-52440918-A-T.
Other names: short protein forms W196R.
Identifiers: ClinVar variation 412444 (VCV000412444.5), dbSNP rs1060503746, ClinGen allele CA16611347.

ClinVar aggregate classification (germline): Uncertain significance (1 of 4 stars; one submission).

Conditions:
BAP1-related tumor predisposition syndrome (TPDS1). Also called: BAP1 tumor predisposition syndrome; Tumor susceptibility linked to germline BAP1 mutations; COMMON Syndrome; TUMOR PREDISPOSITION SYNDROME 1. Identifiers: Orphanet 289539, MedGen C3280492, MONDO:0013692, OMIM 614327.

Submission:

Labcorp Genetics (formerly Invitae), Labcorp
Classification: Uncertain significance for BAP1-related tumor predisposition syndrome. Last evaluated: 2025-10-02. Review status: criteria provided, single submitter. Criteria: Invitae Variant Classification Sherloc (09022015). Collection method: clinical testing. Allele origin: germline.
Comment: This sequence change replaces tryptophan, which is neutral and slightly polar, with arginine, which is basic and polar, at codon 196 of the BAP1 protein (p.Trp196Arg). This variant is not present in population databases (gnomAD no frequency). This variant has not been reported in the literature in individuals affected with BAP1-related conditions. ClinVar contains an entry for this variant (Variation ID: 412444). Invitae Evidence Modeling of protein sequence and biophysical properties (such as structural, functional, and spatial information, amino acid conservation, physicochemical variation, residue mobility, and thermodynamic stability) indicates that this missense variant is expected to disrupt BAP1 protein function with a positive predictive value of 80%. In summary, the available evidence is currently insufficient to determine the role of this variant in disease. Therefore, it has been classified as a Variant of Uncertain Significance.